The following is an entry in ClinVar:

ClinVar aggregate classification (germline): Uncertain significance (1 of 4 stars; one submission).

Submission:

Labcorp Genetics (formerly Invitae), Labcorp
Classification: Uncertain significance. Last evaluated: 2025-05-13. Review status: criteria provided, single submitter. Criteria: Invitae Variant Classification Sherloc (09022015). Collection method: clinical testing. Allele origin: germline.
Comment: This sequence change replaces leucine, which is neutral and non-polar, with proline, which is neutral and non-polar, at codon 1841 of the SRCAP protein (p.Leu1841Pro). This variant is not present in population databases (gnomAD no frequency). This variant has not been reported in the literature in individuals affected with SRCAP-related conditions. ClinVar contains an entry for this variant (Variation ID: 2982874). Invitae Evidence Modeling of protein sequence and biophysical properties (such as structural, functional, and spatial information, amino acid conservation, physicochemical variation, residue mobility, and thermodynamic stability) indicates that this missense variant is not expected to disrupt SRCAP protein function with a negative predictive value of 80%. In summary, the available evidence is currently insufficient to determine the role of this variant in disease. Therefore, it has been classified as a Variant of Uncertain Significance.

NM_006662.3(SRCAP):c.5522T>C (p.Leu1841Pro)

Gene: SRCAP (Snf2 related CREBBP activator protein; plus strand). Cytogenetic location: 16p11.2.
Variant type: single nucleotide variant.
Coding change: c.5522T>C on transcript NM_006662.3 (MANE Select); coding-DNA position 5522, T replaced by C.
Protein change: p.Leu1841Pro; replaces leucine 1841 with proline.
Molecular consequence: missense variant.
Genome position (GRCh38, 1-based): chr16:30,724,946, T>C. VCF-style: chr16-30724946-T-C. GRCh37 (hg19) VCF-style: chr16-30736267-T-C.
Other names: short protein forms L1841P.
Identifiers: ClinVar variation 2982874 (VCV002982874.3), dbSNP rs2053049322, ClinGen allele CA395618780.